The following is an entry in ClinVar:

ClinVar aggregate classification (germline): Likely benign. Review status: criteria provided, multiple submitters, no conflicts (2 of 4 stars). 2 submissions from 2 submitters: Likely benign (2). Last evaluated 2024-03-01.

Conditions:
Hereditary cancer-predisposing syndrome. Also called: Neoplastic Syndromes, Hereditary; Tumor predisposition; Hereditary Cancer Syndrome; Hereditary neoplastic syndrome. Identifiers: Orphanet 140162, MedGen C0027672, MeSH D009386, MONDO:0015356.
Familial adenomatous polyposis 1 (FAP1). Also called: FAMILIAL ADENOMATOUS POLYPOSIS 1, ATTENUATED; POLYPOSIS, ADENOMATOUS INTESTINAL. Identifiers: MedGen C2713442, MONDO:0021056, OMIM 175100. Disease mechanism: loss of function.

Allele frequency attached by ClinVar (database versions not stated): gnomAD exomes below 0.00001.
gnomAD v4.1: 1 of 1,600,996 alleles (0.000062%); highest among the groups gnomAD compares: Middle Eastern, 0.017%; no homozygotes.

Submissions (2):

Myriad Genetics, Inc.
Classification: Likely benign for Familial adenomatous polyposis 1. Last evaluated: 2024-03-01. Review status: criteria provided, single submitter. Criteria: Myriad Autosomal Dominant, Autosomal Recessive and X-Linked Classification Criteria (2023). Collection method: clinical testing. Allele origin: unknown.
Comment: This variant is considered likely benign. This variant is intronic and is not expected to impact mRNA splicing.

Color Diagnostics, LLC DBA Color Health
Classification: Likely benign for Hereditary cancer-predisposing syndrome. Last evaluated: 2018-12-03. Review status: criteria provided, single submitter. Criteria: ACMG Guidelines, 2015. Collection method: clinical testing. Allele origin: germline.

NM_000038.6(APC):c.1313-13T>C

Gene: APC (APC regulator of Wnt signaling pathway; plus strand). Cytogenetic location: 5q22.2.
Variant type: single nucleotide variant.
Coding change: c.1313-13T>C on transcript NM_000038.6 (MANE Select); 13 bases into the intron before coding-DNA position 1313, T replaced by C.
Molecular consequence: intron variant.
Genome position (GRCh38, 1-based): chr5:112,821,883, T>C. VCF-style: chr5-112821883-T-C. GRCh37 (hg19) VCF-style: chr5-112157580-T-C.
Other names: c.1313-13T>C (NM_001354895.2, NM_001127510.3, NM_001354896.2); c.1343-13T>C (NM_001354897.2); c.1040-13T>C (NM_001354902.2); c.1259-13T>C (NM_001127511.3); c.1238-13T>C (NM_001354898.2); c.935-13T>C (NM_001354904.2); c.464-13T>C (NM_001354906.2); c.1010-13T>C (NM_001354903.2); and 3 more.
Identifiers: ClinVar variation 918459 (VCV000918459.3), dbSNP rs1284762343, ClinGen allele CA561904159.